The following is an entry in ClinVar:

ClinVar aggregate classification (germline): Uncertain significance (1 of 4 stars; one submission).

Conditions:
Neuropathy, hereditary sensory and autonomic, type 1C. Also called: HSAN IC; HSN IC. Identifiers: Orphanet 36386, MedGen C3150896, MONDO:0013337, OMIM 613640.

Allele frequency attached by ClinVar (database versions not stated): gnomAD exomes below 0.00001; TOPMed below 0.00001; ExAC 0.00001; gnomAD 0.00001; ESP Exome Variant Server 0.00008.
gnomAD v4.1: 2 of 1,613,854 alleles (0.00012%); highest among the groups gnomAD compares: Non-Finnish European, 0.00017%; no homozygotes.

Submission:

Labcorp Genetics (formerly Invitae), Labcorp
Classification: Uncertain significance for Neuropathy, hereditary sensory and autonomic, type 1C. Last evaluated: 2023-03-02. Review status: criteria provided, single submitter. Criteria: Invitae Variant Classification Sherloc (09022015). Collection method: clinical testing. Allele origin: germline.
Comment: This sequence change replaces valine, which is neutral and non-polar, with alanine, which is neutral and non-polar, at codon 297 of the SPTLC2 protein (p.Val297Ala). This variant is present in population databases (rs370170064, gnomAD 0.0009%). In summary, the available evidence is currently insufficient to determine the role of this variant in disease. Therefore, it has been classified as a Variant of Uncertain Significance. An algorithm developed to predict the effect of missense changes on protein structure and function (PolyPhen-2) suggests that this variant is likely to be tolerated. ClinVar contains an entry for this variant (Variation ID: 665837). This variant has not been reported in the literature in individuals affected with SPTLC2-related conditions.

NM_004863.4(SPTLC2):c.890T>C (p.Val297Ala)

Gene: SPTLC2 (serine palmitoyltransferase long chain base subunit 2; minus strand). Cytogenetic location: 14q24.3.
Variant type: single nucleotide variant.
Coding change: c.890T>C on transcript NM_004863.4 (MANE Select); coding-DNA position 890, T replaced by C.
Protein change: p.Val297Ala; replaces valine 297 with alanine.
Molecular consequence: missense variant.
Genome position (GRCh38, 1-based): chr14:77,557,107, A>G on the plus strand (T>C on the coding strand, the complement: SPTLC2 is on the minus strand). VCF-style: chr14-77557107-A-G. GRCh37 (hg19) VCF-style: chr14-78023450-A-G.
Other names: short protein forms V297A.
Identifiers: ClinVar variation 665837 (VCV000665837.8), dbSNP rs370170064, ClinGen allele CA7289323.